The following is an entry in ClinVar:

ClinVar aggregate classification (germline): Uncertain significance (1 of 4 stars; one submission).

Submission:

Labcorp Genetics (formerly Invitae), Labcorp
Classification: Uncertain significance. Last evaluated: 2025-12-04. Review status: criteria provided, single submitter. Criteria: Invitae Variant Classification Sherloc (09022015). Collection method: clinical testing. Allele origin: germline.
Comment: This sequence change replaces serine, which is neutral and polar, with asparagine, which is neutral and polar, at codon 159 of the MBD4 protein (p.Ser159Asn). This variant is not present in population databases (gnomAD no frequency). This variant has not been reported in the literature in individuals affected with MBD4-related conditions. ClinVar contains an entry for this variant (Variation ID: 3643020). An algorithm developed to predict the effect of missense changes on protein structure and function outputs the following: PolyPhen-2: "Benign". The asparagine amino acid residue is found in multiple mammalian species, which suggests that this missense change does not adversely affect protein function. In summary, the available evidence is currently insufficient to determine the role of this variant in disease. Therefore, it has been classified as a Variant of Uncertain Significance.

NM_001276270.2(MBD4):c.476G>A (p.Ser159Asn)

Gene: MBD4 (methyl-CpG binding domain 4, DNA glycosylase; minus strand). Cytogenetic location: 3q21.3.
Variant type: single nucleotide variant.
Coding change: c.476G>A on transcript NM_001276270.2 (MANE Select); coding-DNA position 476, G replaced by A.
Protein change: p.Ser159Asn; replaces serine 159 with asparagine.
Molecular consequence: missense variant. On other transcripts: intron variant (1).
Genome position (GRCh38, 1-based): chr3:129,437,168, C>T on the plus strand (G>A on the coding strand, the complement: MBD4 is on the minus strand). VCF-style: chr3-129437168-C-T. GRCh37 (hg19) VCF-style: chr3-129156011-C-T.
Other names: c.476G>A, p.Ser159Asn (NM_001276271.2, NM_001276272.2, NM_003925.3); c.247+640G>A (NM_001276273.2); short protein forms S159N.
Identifiers: ClinVar variation 3643020 (VCV003643020.2).